The following is an entry in ClinVar:

ClinVar aggregate classification (germline): Uncertain significance. Review status: criteria provided, multiple submitters, no conflicts (2 of 4 stars). 2 submissions from 2 submitters: Uncertain significance (2). Last evaluated 2025-06-24.

Conditions:
Aicardi-Goutieres syndrome 4. Identifiers: Orphanet 51, MedGen C1835912, MONDO:0012472, OMIM 610333.

Allele frequency attached by ClinVar (database versions not stated): ExAC 0.00001; gnomAD 0.00001; gnomAD exomes 0.00001 and 0.00003; TOPMed 0.00003.
gnomAD v4.1: 10 of 1,612,550 alleles (0.00062%); highest among the groups gnomAD compares: Admixed American, 0.015%; no homozygotes.

Submissions (2):

Labcorp Genetics (formerly Invitae), Labcorp
Classification: Uncertain significance for Aicardi-Goutieres syndrome 4. Last evaluated: 2025-06-24. Review status: criteria provided, single submitter. Criteria: Invitae Variant Classification Sherloc (09022015). Collection method: clinical testing. Allele origin: germline.
Comment: This sequence change falls in intron 4 of the RNASEH2A gene. It does not directly change the encoded amino acid sequence of the RNASEH2A protein. It affects a nucleotide within the consensus splice site. This variant is present in population databases (rs749477709, gnomAD 0.02%). This variant has not been reported in the literature in individuals affected with RNASEH2A-related conditions. ClinVar contains an entry for this variant (Variation ID: 1427941). Variants that disrupt the consensus splice site are a relatively common cause of aberrant splicing (PMID: 17576681, 9536098). Algorithms developed to predict the effect of sequence changes on RNA splicing suggest that this variant may create or strengthen a splice site. In summary, the available evidence is currently insufficient to determine the role of this variant in disease. Therefore, it has been classified as a Variant of Uncertain Significance.

Women's Health and Genetics/Laboratory Corporation of America, LabCorp
Classification: Uncertain significance. Last evaluated: 2024-05-20. Review status: criteria provided, single submitter. Criteria: LabCorp Variant Classification Summary - May 2015. Collection method: clinical testing. Allele origin: germline.

Literature cited by the submitters: PubMed 17576681 (cited by Labcorp Genetics (formerly Invitae), Labcorp); PubMed 9536098 (cited by Labcorp Genetics (formerly Invitae), Labcorp).

NM_006397.3(RNASEH2A):c.411+3G>C

Gene: RNASEH2A (ribonuclease H2 subunit A; plus strand). Cytogenetic location: 19p13.13.
Variant type: single nucleotide variant.
Coding change: c.411+3G>C on transcript NM_006397.3 (MANE Select); 3 bases into the intron after coding-DNA position 411, G replaced by C.
Molecular consequence: intron variant.
Genome position (GRCh38, 1-based): chr19:12,807,509, G>C. VCF-style: chr19-12807509-G-C. GRCh37 (hg19) VCF-style: chr19-12918323-G-C.
Identifiers: ClinVar variation 1427941 (VCV001427941.5), dbSNP rs749477709, ClinGen allele CA9231872.